The following is an entry in ClinVar:

ClinVar aggregate classification (germline): Uncertain significance (1 of 4 stars; one submission).

Submission:

Labcorp Genetics (formerly Invitae), Labcorp
Classification: Uncertain significance. Last evaluated: 2025-04-14. Review status: criteria provided, single submitter. Criteria: Invitae Variant Classification Sherloc (09022015). Collection method: clinical testing. Allele origin: germline.
Comment: This sequence change replaces aspartic acid, which is acidic and polar, with histidine, which is basic and polar, at codon 484 of the ESCO2 protein (p.Asp484His). This variant is not present in population databases (gnomAD no frequency). This variant has not been reported in the literature in individuals affected with ESCO2-related conditions. ClinVar contains an entry for this variant (Variation ID: 2144695). An algorithm developed to predict the effect of missense changes on protein structure and function (PolyPhen-2) suggests that this variant is likely to be disruptive. In summary, the available evidence is currently insufficient to determine the role of this variant in disease. Therefore, it has been classified as a Variant of Uncertain Significance.

NM_001017420.3(ESCO2):c.1450G>C (p.Asp484His)

Gene: ESCO2 (establishment of sister chromatid cohesion N-acetyltransferase 2; plus strand). Cytogenetic location: 8p21.1.
Variant type: single nucleotide variant.
Coding change: c.1450G>C on transcript NM_001017420.3 (MANE Select); coding-DNA position 1450, G replaced by C.
Protein change: p.Asp484His; replaces aspartic acid 484 with histidine.
Molecular consequence: missense variant.
Genome position (GRCh38, 1-based): chr8:27,792,764, G>C. VCF-style: chr8-27792764-G-C. GRCh37 (hg19) VCF-style: chr8-27650281-G-C.
Other names: short protein forms D484H.
Identifiers: ClinVar variation 2144695 (VCV002144695.4), dbSNP rs780797247, ClinGen allele CA370825673.